The following is an entry in ClinVar:

ClinVar aggregate classification (germline): Uncertain significance. Review status: criteria provided, multiple submitters, no conflicts (2 of 4 stars). 2 submissions from 2 submitters: Uncertain significance (2). Last evaluated 2026-03-09.

Conditions:
Hereditary cancer-predisposing syndrome. Also called: Tumor predisposition; Neoplastic Syndromes, Hereditary; Hereditary Cancer Syndrome; Hereditary neoplastic syndrome. Identifiers: Orphanet 140162, MedGen C0027672, MeSH D009386, MONDO:0015356.
Hereditary breast ovarian cancer syndrome. Also called: Hereditary breast and ovarian cancer syndrome; Hereditary breast and ovarian cancer; Hereditary breast and/or ovarian cancer syndrome; BRCA1- and BRCA2-Associated Hereditary Breast and Ovarian Cancer; Breast and ovarian cancer; Hereditary breast and ovarian cancer syndrome (HBOC). Identifiers: Orphanet 145, MedGen C0677776, MeSH D061325, MONDO:0003582. Disease mechanism: loss of function.

Allele frequency attached by ClinVar (database versions not stated): gnomAD exomes below 0.00001; ExAC 0.00003.
gnomAD v4.1: 7 of 1,614,192 alleles (0.00043%); highest among the groups gnomAD compares: South Asian, 0.0066%; no homozygotes.

Submissions (2):

Ambry Genetics
Classification: Uncertain significance for Hereditary cancer-predisposing syndrome. Last evaluated: 2026-03-09. Review status: criteria provided, single submitter. Criteria: Ambry Variant Classification Scheme 2023. Collection method: clinical testing. Allele origin: germline.
Comment: The p.A1588V variant (also known as c.4763C>T), located in coding exon 14 of the BRCA1 gene, results from a C to T substitution at nucleotide position 4763. The alanine at codon 1588 is replaced by valine, an amino acid with similar properties. This amino acid position is well conserved in available vertebrate species. In addition, the in silico prediction for this alteration is inconclusive. Based on the available evidence, the clinical significance of this variant remains unclear.

Labcorp Genetics (formerly Invitae), Labcorp
Classification: Uncertain significance for Hereditary breast ovarian cancer syndrome. Last evaluated: 2023-03-26. Review status: criteria provided, single submitter. Criteria: Invitae Variant Classification Sherloc (09022015). Collection method: clinical testing. Allele origin: germline.
Comment: This sequence change replaces alanine, which is neutral and non-polar, with valine, which is neutral and non-polar, at codon 1588 of the BRCA1 protein (p.Ala1588Val). This variant is present in population databases (rs759314330, gnomAD 0.01%). This variant has not been reported in the literature in individuals affected with BRCA1-related conditions. Advanced modeling of protein sequence and biophysical properties (such as structural, functional, and spatial information, amino acid conservation, physicochemical variation, residue mobility, and thermodynamic stability) performed at Invitae indicates that this missense variant is not expected to disrupt BRCA1 protein function. In summary, the available evidence is currently insufficient to determine the role of this variant in disease. Therefore, it has been classified as a Variant of Uncertain Significance.

NM_007294.4(BRCA1):c.4763C>T (p.Ala1588Val)

Gene: BRCA1 (BRCA1 DNA repair associated; minus strand). Cytogenetic location: 17q21.31.
Variant type: single nucleotide variant.
Coding change: c.4763C>T on transcript NM_007294.4 (MANE Select); coding-DNA position 4763, C replaced by T.
Protein change: p.Ala1588Val; replaces alanine 1588 with valine.
Molecular consequence: missense variant. On other transcripts: intron variant (1).
Genome position (GRCh38, 1-based): chr17:43,071,151, G>A on the plus strand (C>T on the coding strand, the complement: BRCA1 is on the minus strand). VCF-style: chr17-43071151-G-A. GRCh37 (hg19) VCF-style: chr17-41223168-G-A.
Other names: c.1454C>T, p.Ala485Val (NM_001407978.1, NM_001407973.1, NM_001407974.1 and 3 more transcripts); c.1451C>T, p.Ala484Val (NM_001407979.1, NM_001407980.1, NM_001407981.1 and 13 more transcripts); c.1448C>T, p.Ala483Val (NM_001408401.1, NM_001408402.1, NM_001408403.1 and 8 more transcripts); c.1445C>T, p.Ala482Val (NM_001408406.1, NM_001408407.1, NM_001408408.1); c.1442C>T, p.Ala481Val (NM_001408409.1); c.1379C>T, p.Ala460Val (NM_001408410.1); c.1376C>T, p.Ala459Val (NM_001408411.1); c.1334C>T, p.Ala445Val (NM_001408422.1, NM_001408423.1, NM_001408424.1 and 1 more transcripts); and 71 more; short protein forms A1460V, A1461V, A1476V, A1498V, A1539V, A1544V, A1546V, A1562V.
Identifiers: ClinVar variation 2957934 (VCV002957934.3), dbSNP rs759314330, ClinGen allele CA052948.